The following is an entry in ClinVar:

NM_006662.3(SRCAP):c.6620G>A (p.Arg2207Gln)

Gene: SRCAP (Snf2 related CREBBP activator protein; plus strand). Cytogenetic location: 16p11.2.
Variant type: single nucleotide variant.
Coding change: c.6620G>A on transcript NM_006662.3 (MANE Select); coding-DNA position 6620, G replaced by A.
Protein change: p.Arg2207Gln; replaces arginine 2207 with glutamine.
Molecular consequence: missense variant.
Genome position (GRCh38, 1-based): chr16:30,734,506, G>A. VCF-style: chr16-30734506-G-A. GRCh37 (hg19) VCF-style: chr16-30745827-G-A.
Other names: short protein forms R2207Q.
Identifiers: ClinVar variation 813577 (VCV000813577.8), dbSNP rs1025371777, ClinGen allele CA280520731.

ClinVar aggregate classification (germline): Uncertain significance. Review status: criteria provided, single submitter (1 of 4 stars). 2 submissions from 2 submitters: Uncertain significance (1). 1 of the submissions does not count toward it. Last evaluated 2025-10-01.

Conditions:
Microcephaly. Also called: Microcephaly (disease). Identifiers: MedGen C4551563, MONDO:0001149, HP:0000252.

Allele frequency attached by ClinVar (database versions not stated): TOPMed below 0.00001; gnomAD exomes 0.00001; gnomAD 0.00003.
gnomAD v4.1: 14 of 1,613,802 alleles (0.00087%); highest among the groups gnomAD compares: Admixed American, 0.005%; no homozygotes.

Submissions (2):

Labcorp Genetics (formerly Invitae), Labcorp
Classification: Uncertain significance. Last evaluated: 2025-10-01. Review status: criteria provided, single submitter. Criteria: Invitae Variant Classification Sherloc (09022015). Collection method: clinical testing. Allele origin: germline.
Comment: This sequence change replaces arginine, which is basic and polar, with glutamine, which is neutral and polar, at codon 2207 of the SRCAP protein (p.Arg2207Gln). This variant is present in population databases (no rsID available, gnomAD 0.009%). This variant has not been reported in the literature in individuals affected with SRCAP-related conditions. ClinVar contains an entry for this variant (Variation ID: 813577). Invitae Evidence Modeling of protein sequence and biophysical properties (such as structural, functional, and spatial information, amino acid conservation, physicochemical variation, residue mobility, and thermodynamic stability) has been performed for this missense variant. However, the output from this modeling did not meet the statistical confidence thresholds required to predict the impact of this variant on SRCAP protein function. In summary, the available evidence is currently insufficient to determine the role of this variant in disease. Therefore, it has been classified as a Variant of Uncertain Significance.

Department of Pediatrics, Samsung Medical Center, Samsung Medical Center
Classification: Uncertain significance for Microcephaly. Review status: no assertion criteria provided. Criteria: ACMG Guidelines, 2015. Collection method: research. Allele origin: germline. Affected: yes. Not counted in ClinVar's aggregate classification.